The following is an entry in ClinVar:

ClinVar aggregate classification (germline): Benign. Review status: criteria provided, multiple submitters, no conflicts (2 of 4 stars). 6 submissions from 5 submitters: Benign (6). Last evaluated 2026-09-21.

Conditions:
Fibromuscular dysplasia, multifocal. Identifiers: MedGen C5543412, MONDO:0859151, OMIM 619329.
Ehlers-Danlos syndrome, classic type, 1 (EDSCL1). Also called: Ehlers-Danlos syndrome, type 1; EHLERS-DANLOS SYNDROME, GRAVIS TYPE; EHLERS-DANLOS SYNDROME, SEVERE CLASSIC TYPE; Ehlers-Danlos Syndrome, Classic Type, COL5A1-Related; EDS I. Identifiers: MedGen C0268335, MONDO:0019567, OMIM 130000.

Allele frequency attached by ClinVar (database versions not stated): gnomAD exomes 0.48162 and 0.46400; ExAC 0.48641; gnomAD 0.48917 and 0.48658; TOPMed 0.49215; 1000 Genomes Project 0.52776; ESP Exome Variant Server 0.49370; 1000 Genomes Project 30x 0.52514.
gnomAD v4.1: 746,768 of 1,600,080 alleles (47%); highest among the groups gnomAD compares: East Asian, 72%; 177,193 homozygotes.

Submissions (6):

Molecular Diagnostic Laboratory for Inherited Cardiovascular Disease, Montreal Heart Institute
Classification: Benign. Last evaluated: 2026-09-21. Review status: criteria provided, single submitter. Criteria: ACMG Guidelines, 2015. Collection method: clinical testing. Allele origin: germline. Affected: no.
Comment: BA1

Genome-Nilou Lab
Classification: Benign for Ehlers-Danlos syndrome, classic type, 1. Last evaluated: 2021-07-30. Review status: criteria provided, single submitter. Criteria: ACMG Guidelines, 2015. Collection method: clinical testing. Allele origin: germline. Affected: no.

Genome-Nilou Lab
Classification: Benign for Fibromuscular dysplasia, multifocal. Last evaluated: 2021-07-30. Review status: criteria provided, single submitter. Criteria: ACMG Guidelines, 2015. Collection method: clinical testing. Allele origin: germline. Affected: no.

GeneDx
Classification: Benign. Last evaluated: 2018-06-14. Review status: criteria provided, single submitter. Criteria: GeneDx Variant Classification (06012015). Collection method: clinical testing. Allele origin: germline. Affected: yes.
Comment: This variant is considered likely benign or benign based on one or more of the following criteria: it is a conservative change, it occurs at a poorly conserved position in the protein, it is predicted to be benign by multiple in silico algorithms, and/or has population frequency not consistent with disease.

Breakthrough Genomics
Classification: Benign. Review status: criteria provided, single submitter. Criteria: ACMG Guidelines, 2015. Collection method: not provided. Allele origin: germline. Inheritance: Autosomal dominant inheritance. Affected: yes.

PreventionGenetics, part of Exact Sciences
Classification: Benign. Review status: criteria provided, single submitter. Criteria: ACMG Guidelines, 2015. Collection method: clinical testing. Allele origin: germline.

NM_000093.5(COL5A1):c.2845-37A>G

Gene: COL5A1 (collagen type V alpha 1 chain; plus strand). Cytogenetic location: 9q34.3.
Variant type: single nucleotide variant.
Coding change: c.2845-37A>G on transcript NM_000093.5 (MANE Select); 37 bases into the intron before coding-DNA position 2845, A replaced by G.
Molecular consequence: intron variant.
Genome position (GRCh38, 1-based): chr9:134,796,811, A>G. VCF-style: chr9-134796811-A-G. GRCh37 (hg19) VCF-style: chr9-137688657-A-G.
Other names: c.2845-37A>G (NM_001278074.1).
Identifiers: ClinVar variation 255072 (VCV000255072.7), dbSNP rs3811159, ClinGen allele CA5319627.